The following is an entry in ClinVar:

ClinVar aggregate classification (germline): Likely pathogenic. Review status: criteria provided, multiple submitters, no conflicts (2 of 4 stars). 2 submissions from 2 submitters: Likely pathogenic (2). Last evaluated 2024-10-01.

Conditions:
Dilated cardiomyopathy 1G (CMD1G). Identifiers: Orphanet 154, MedGen C1858763, MONDO:0011400, OMIM 604145.
Autosomal recessive limb-girdle muscular dystrophy type 2J (LGMDR10). Also called: Limb-girdle muscular dystrophy, type 2J; MUSCULAR DYSTROPHY, LIMB-GIRDLE, AUTOSOMAL RECESSIVE 10. Identifiers: Orphanet 140922, MedGen C1837342, MONDO:0012127, OMIM 608807.

Submissions (2):

Dasa
Classification: Likely pathogenic. Last evaluated: 2024-10-01. Review status: criteria provided, single submitter. Criteria: DASA Assertion Criteria. Collection method: clinical testing. Allele origin: germline.
Comment: NM_001267550.2(TTN):c.19086del (p.Tyr6362*) is a frameshift variant in TTN predicted to alter the reading frame and introduce a premature termination codon and is predicted to result in an absent or altered protein product. Loss of function is an established disease mechanism for TTN-associated disorders. Also, this variant is absent from population databases. Based on the currently available evidence, this variant is classified as likely pathogenic.

Labcorp Genetics (formerly Invitae), Labcorp
Classification: Likely pathogenic for Dilated cardiomyopathy 1G; Autosomal recessive limb-girdle muscular dystrophy type 2J. Last evaluated: 2024-06-19. Review status: criteria provided, single submitter. Criteria: Invitae Variant Classification Sherloc (09022015). Collection method: clinical testing. Allele origin: germline.
Comment: This sequence change creates a premature translational stop signal (p.Tyr6362*) in the TTN gene. While this is not anticipated to result in nonsense mediated decay, it is expected to create a truncated TTN protein. This variant is not present in population databases (gnomAD no frequency). This variant has not been reported in the literature in individuals affected with TTN-related conditions. This variant is located in the I band of TTN (PMID: 25589632). Truncating variants in this region have been reported in individuals affected with autosomal recessive centronuclear myopathy (PMID: 23975875, Invitae internal data). Truncating variants in this region have also been identified in individuals affected with autosomal dominant dilated cardiomyopathy and/or cardio-related conditions (PMID: 27869827, 32964742, Invitae internal data). In summary, the currently available evidence indicates that the variant is pathogenic, but additional data are needed to prove that conclusively. Therefore, this variant has been classified as Likely Pathogenic.

Literature cited by the submitters: PubMed 25589632 (cited by Labcorp Genetics (formerly Invitae), Labcorp); PubMed 23975875 (cited by Labcorp Genetics (formerly Invitae), Labcorp); PubMed 27869827 (cited by Labcorp Genetics (formerly Invitae), Labcorp); PubMed 32964742 (cited by Labcorp Genetics (formerly Invitae), Labcorp).

NM_001267550.2(TTN):c.19086del (p.Arg6361_Tyr6362insTer)

Gene: TTN (titin; minus strand). Cytogenetic location: 2q31.2.
Variant type: Deletion.
Coding change: c.19086del on transcript NM_001267550.2 (MANE Select); coding-DNA position 19086, one base deleted (T; older notation c.19086delT).
Protein change: p.Arg6361_Tyr6362insTer.
Molecular consequence: nonsense. On other transcripts: intron variant (3).
Genome position (GRCh38, 1-based): chr2:178,728,952, A deleted on the plus strand (T on the coding strand, the reverse complement: TTN is on the minus strand). VCF-style (leftmost placement, unchanged base first): chr2-178728951-TA-T. GRCh37 (hg19) VCF-style: chr2-179593678-TA-T.
Other names: c.18135del, p.Arg6044_Tyr6045insTer (NM_001256850.1); c.15354del, p.Arg5117_Tyr5118insTer (NM_133378.4); c.13282+9130del (NM_003319.4); c.13858+9130del (NM_133437.4); c.13657+9130del (NM_133432.3).
Identifiers: ClinVar variation 3756878 (VCV003756878.4).